The following is an entry in ClinVar:

ClinVar aggregate classification (germline): Uncertain significance (1 of 4 stars; one submission).

Submission:

GeneDx
Classification: Uncertain significance. Last evaluated: 2024-02-05. Review status: criteria provided, single submitter. Criteria: GeneDx Variant Classification Process June 2021. Collection method: clinical testing. Allele origin: germline. Affected: yes.
Comment: Not observed at significant frequency in large population cohorts (gnomAD); In silico analysis supports that this missense variant has a deleterious effect on protein structure/function; Has not been previously published as pathogenic or benign to our knowledge

NM_000202.8(IDS):c.958G>C (p.Asp320His)

Genes: IDS (iduronate 2-sulfatase; minus strand), LOC106050102 (IDS recombination region; plus strand). Cytogenetic location: Xq28.
Variant type: single nucleotide variant.
Coding change: c.958G>C on transcript NM_000202.8 (MANE Select); coding-DNA position 958, G replaced by C.
Protein change: p.Asp320His; replaces aspartic acid 320 with histidine.
Molecular consequence: missense variant. On other transcripts: non-coding transcript variant (1).
Genome position (GRCh38, 1-based): chrX:149,490,362, C>G on the plus strand (G>C on the coding strand, the complement: IDS is on the minus strand). VCF-style: chrX-149490362-C-G. GRCh37 (hg19) VCF-style: chrX-148571893-C-G.
Other names: c.688G>C, p.Asp230His (NM_001166550.4); c.958G>C, p.Asp320His (NM_006123.5); short protein forms D230H, D320H.
Identifiers: ClinVar variation 3368598 (VCV003368598.1).
Genomic context (GRCh38, chrX:149,490,362, plus strand): 5'-CAAAATGCTTACCATGATCCGAGGTAAATGCAATGATGGTGCTGTTGGCCAGCTGAAGAT[C>G]GTCCAAAGCACTCAAGAGGCGGCCGACCTGTGTATCCAAATATGACACAGAGGCAAAGTA-3'
Protein context (NP_000193.1, residues 310-330): QVGRLLSALD[Asp320His]LQLANSTIIA